The following is an entry in ClinVar:

ClinVar aggregate classification (germline): Uncertain significance (1 of 4 stars; one submission).

Submission:

GeneDx
Classification: Uncertain significance. Last evaluated: 2024-03-11. Review status: criteria provided, single submitter. Criteria: GeneDx Variant Classification Process June 2021. Collection method: clinical testing. Allele origin: germline. Affected: yes.
Comment: Not observed at significant frequency in large population cohorts (gnomAD); In silico analysis supports that this missense variant does not alter protein structure/function; Has not been previously published as pathogenic or benign to our knowledge

NM_001374828.1(ARID1B):c.6423G>C (p.Glu2141Asp)

Gene: ARID1B (AT-rich interaction domain 1B; plus strand). Cytogenetic location: 6q25.3.
Variant type: single nucleotide variant.
Coding change: c.6423G>C on transcript NM_001374828.1 (MANE Select); coding-DNA position 6423, G replaced by C.
Protein change: p.Glu2141Asp; replaces glutamic acid 2141 with aspartic acid.
Molecular consequence: missense variant.
Genome position (GRCh38, 1-based): chr6:157,207,195, G>C. VCF-style: chr6-157207195-G-C. GRCh37 (hg19) VCF-style: chr6-157528329-G-C.
Other names: c.3924G>C, p.Glu1308Asp (NM_001363725.2); c.6303G>C, p.Glu2101Asp (NM_001371656.1, NM_001374820.1); c.6264G>C, p.Glu2088Asp (NM_017519.3); c.6054G>C (NM_020732.3); short protein forms E1308D, E2088D, E2101D, E2141D.
Identifiers: ClinVar variation 3370895 (VCV003370895.1).
Genomic context (GRCh38, chr6:157,207,195, plus strand): 5'-GGAGGATGAGGACAAGGGGGTGGCCTGCAGCAAAGATGAGTGGTGGTGGGACTGCCTCGA[G>C]GTCTTGAGGGATAACACGTTGGTCACGTTGGCCAACATTTCCGGGCAGCTAGACTTGTCT-3'
Protein context (NP_001361757.1, residues 2131-2151): SKDEWWWDCL[Glu2141Asp]VLRDNTLVTL